The following is an entry in ClinVar:

ClinVar aggregate classification (germline): Likely benign. Review status: criteria provided, single submitter (1 of 4 stars). 2 submissions from 2 submitters: Likely benign (1). 1 of the submissions does not count toward it. Last evaluated 2024-11-28.

Conditions:
SHANK1-related disorder. Also called: SHANK1-related condition.

Allele frequency attached by ClinVar (database versions not stated): 1000 Genomes Project 0.00020; 1000 Genomes Project 30x 0.00078; TOPMed 0.00138; gnomAD exomes 0.00203; gnomAD 0.00220; ExAC 0.00248.
gnomAD v4.1: 3,000 of 1,475,096 alleles (0.2%); highest among the groups gnomAD compares: Middle Eastern, 0.22%; 4 homozygotes.

Submissions (2):

Blueprint Genetics
Classification: Likely benign. Last evaluated: 2024-11-28. Review status: criteria provided, single submitter. Criteria: ACMG Guidelines, 2015. Collection method: clinical testing. Allele origin: germline.

PreventionGenetics, part of Exact Sciences
Classification: Benign for SHANK1-related condition. Last evaluated: 2019-07-30. Review status: no assertion criteria provided. Collection method: clinical testing. Allele origin: germline. Not counted in ClinVar's aggregate classification.
Comment: This variant is classified as benign based on ACMG/AMP sequence variant interpretation guidelines (Richards et al. 2015 PMID: 25741868, with internal and published modifications).

NM_016148.5(SHANK1):c.3947G>A (p.Gly1316Asp)

Gene: SHANK1 (SH3 and multiple ankyrin repeat domains 1; minus strand). Cytogenetic location: 19q13.33.
Variant type: single nucleotide variant.
Coding change: c.3947G>A on transcript NM_016148.5 (MANE Select); coding-DNA position 3947, G replaced by A.
Protein change: p.Gly1316Asp; replaces glycine 1316 with aspartic acid.
Molecular consequence: missense variant.
Genome position (GRCh38, 1-based): chr19:50,668,013, C>T on the plus strand (G>A on the coding strand, the complement: SHANK1 is on the minus strand). VCF-style: chr19-50668013-C-T. GRCh37 (hg19) VCF-style: chr19-51171270-C-T.
Other names: short protein forms G1316D.
Identifiers: ClinVar variation 3034802 (VCV003034802.3), dbSNP rs534920931, ClinGen allele CA9601237.
Genomic context (GRCh38, chr19:50,668,013, plus strand): 5'-CGCGGGGGCAGGAAGCTGGTGAAGGCGCTGCTGCCCCCGCCACCCCCGTAGGCTCGGCTA[C>T]CGGCCCCGTAGCCGCCGTAGCCCGCGCCGCTGCCCGCAGACTCCAGTCGGAGGTAGGGCT-3'
Protein context (NP_057232.2, residues 1306-1326): SGAGYGGYGA[Gly1316Asp]SRAYGGGGGS